The following is an entry in ClinVar:

NM_005428.4(VAV1):c.2024C>T (p.Pro675Leu)

Gene: VAV1 (vav guanine nucleotide exchange factor 1; plus strand). Cytogenetic location: 19p13.3.
Variant type: single nucleotide variant.
Coding change: c.2024C>T on transcript NM_005428.4 (MANE Select); coding-DNA position 2024, C replaced by T.
Protein change: p.Pro675Leu; replaces proline 675 with leucine.
Molecular consequence: missense variant.
Genome position (GRCh38, 1-based): chr19:6,848,009, C>T. VCF-style: chr19-6848009-C-T. GRCh37 (hg19) VCF-style: chr19-6848020-C-T.
Other names: c.1958C>T, p.Pro653Leu (NM_001258206.2); c.1928C>T, p.Pro643Leu (NM_001258207.2); short protein forms P675L, P653L, P643L.
Identifiers: ClinVar variation 4720088 (VCV004720088.1).

ClinVar aggregate classification (germline): Uncertain significance (1 of 4 stars; one submission).

Submission:

Labcorp Genetics (formerly Invitae), Labcorp
Classification: Uncertain significance. Last evaluated: 2025-06-02. Review status: criteria provided, single submitter. Criteria: Invitae Variant Classification Sherloc (09022015). Collection method: clinical testing. Allele origin: germline.
Comment: This sequence change replaces proline, which is neutral and non-polar, with leucine, which is neutral and non-polar, at codon 675 of the VAV1 protein (p.Pro675Leu). This variant is not present in population databases (gnomAD no frequency). This variant has not been reported in the literature in individuals affected with VAV1-related conditions. An algorithm developed to predict the effect of missense changes on protein structure and function (PolyPhen-2) suggests that this variant is likely to be disruptive. In summary, the available evidence is currently insufficient to determine the role of this variant in disease. Therefore, it has been classified as a Variant of Uncertain Significance.